The following is an entry in ClinVar:

NM_007294.4(BRCA1):c.3275A>G (p.Glu1092Gly)

Genes: BRCA1 (BRCA1 DNA repair associated; minus strand), LOC126862571 (BRD4-independent group 4 enhancer GRCh37_chr17:41243136-41244335; plus strand). Cytogenetic location: 17q21.31.
Variant type: single nucleotide variant.
Coding change: c.3275A>G on transcript NM_007294.4 (MANE Select); coding-DNA position 3275, A replaced by G.
Protein change: p.Glu1092Gly; replaces glutamic acid 1092 with glycine.
Molecular consequence: missense variant. On other transcripts: intron variant (137).
Genome position (GRCh38, 1-based): chr17:43,092,256, T>C on the plus strand (A>G on the coding strand, the complement: BRCA1 is on the minus strand). VCF-style: chr17-43092256-T-C. GRCh37 (hg19) VCF-style: chr17-41244273-T-C.
Other names: c.578-1224A>G (NM_001408484.1, NM_001408478.1, NM_001408481.1 and 9 more transcripts); c.662-1224A>G (NM_001408450.1, NM_001408434.1, NM_001408446.1 and 6 more transcripts); c.788-1224A>G (NM_001407978.1, NM_007298.4, NM_001407981.1 and 17 more transcripts); c.785-1224A>G (NM_001407992.1, NM_001408398.1, NM_001408397.1 and 13 more transcripts); c.665-1224A>G (NM_001408440.1, NM_001408428.1, NM_001408436.1 and 12 more transcripts); c.671-1224A>G (NM_001408418.1, NM_001408423.1, NM_001408420.1 and 2 more transcripts); c.644-1224A>G (NM_001408462.1, NM_001408470.1, NM_001408464.1 and 3 more transcripts); c.3272A>G, p.Glu1091Gly (NM_001407635.1, NM_001407636.1, NM_001407637.1 and 22 more transcripts); and 41 more; short protein forms E1045G, E1092G, E1004G, E1024G, E1051G, E1066G, E1089G, E1091G.
Identifiers: ClinVar variation 922736 (VCV000922736.7), dbSNP rs751368643, ClinGen allele CA058002.

ClinVar aggregate classification (germline): Conflicting classifications of pathogenicity. Review status: criteria provided, conflicting classifications (1 of 4 stars). 3 submissions from 3 submitters: Uncertain significance (2); Likely benign (1). Last evaluated 2024-03-25.

Conditions:
Hereditary cancer-predisposing syndrome. Also called: Neoplastic Syndromes, Hereditary; Tumor predisposition; Hereditary Cancer Syndrome; Hereditary neoplastic syndrome. Identifiers: Orphanet 140162, MedGen C0027672, MeSH D009386, MONDO:0015356.
Hereditary breast ovarian cancer syndrome. Also called: BRCA1- and BRCA2-Associated Hereditary Breast and Ovarian Cancer; Hereditary breast and ovarian cancer syndrome; Hereditary breast and ovarian cancer; Hereditary breast and ovarian cancer syndrome (HBOC); Breast and ovarian cancer; Hereditary breast and/or ovarian cancer syndrome. Identifiers: Orphanet 145, MedGen C0677776, MeSH D061325, MONDO:0003582. Disease mechanism: loss of function.

Allele frequency attached by ClinVar (database versions not stated): gnomAD exomes below 0.00001; ExAC 0.00001.
gnomAD v4.1: 1 of 1,613,774 alleles (0.000062%); highest among the groups gnomAD compares: South Asian, 0.0011%; no homozygotes.

Submissions (3):

Labcorp Genetics (formerly Invitae), Labcorp
Classification: Uncertain significance for Hereditary breast ovarian cancer syndrome. Last evaluated: 2024-03-25. Review status: criteria provided, single submitter. Criteria: Invitae Variant Classification Sherloc (09022015). Collection method: clinical testing. Allele origin: germline.
Comment: This sequence change replaces glutamic acid, which is acidic and polar, with glycine, which is neutral and non-polar, at codon 1092 of the BRCA1 protein (p.Glu1092Gly). This variant is present in population databases (rs751368643, gnomAD 0.003%). This variant has not been reported in the literature in individuals affected with BRCA1-related conditions. ClinVar contains an entry for this variant (Variation ID: 922736). Advanced modeling of protein sequence and biophysical properties (such as structural, functional, and spatial information, amino acid conservation, physicochemical variation, residue mobility, and thermodynamic stability) performed at Invitae indicates that this missense variant is not expected to disrupt BRCA1 protein function with a negative predictive value of 95%. In summary, the available evidence is currently insufficient to determine the role of this variant in disease. Therefore, it has been classified as a Variant of Uncertain Significance.

University of Washington Department of Laboratory Medicine, University of Washington
Classification: Likely benign for Hereditary cancer-predisposing syndrome. Last evaluated: 2023-03-23. Review status: criteria provided, single submitter. Criteria: Dines et al. (Genet Med. 2020). Collection method: curation. Allele origin: germline.
Comment: Missense variant in a coldspot region where missense variants are very unlikely to be pathogenic (PMID:31911673).

BRCA1 coldspot (exon 11 using historical exon numbering). Reclassification based on statistical prior probability

Color Diagnostics, LLC DBA Color Health
Classification: Uncertain significance for Hereditary cancer-predisposing syndrome. Last evaluated: 2019-02-07. Review status: criteria provided, single submitter. Criteria: ACMG Guidelines, 2015. Collection method: clinical testing. Allele origin: germline.